The following is an entry in ClinVar:

ClinVar aggregate classification (germline): Benign. Review status: criteria provided, single submitter (1 of 4 stars). 2 submissions from 2 submitters: Benign (1). 1 of the submissions does not count toward it. Last evaluated 2025-12-20.

Conditions:
SPAG1-related disorder. Also called: SPAG1-related condition.
Primary ciliary dyskinesia 28. Also called: CILIARY DYSKINESIA, PRIMARY, 28, WITH OR WITHOUT SITUS INVERSUS. Identifiers: MONDO:0014216, OMIM 615505, Orphanet 244, MedGen C3809706.

Allele frequency attached by ClinVar (database versions not stated): gnomAD exomes 0.00038; 1000 Genomes Project 0.00080; gnomAD 0.00072; TOPMed 0.00006; ExAC 0.00070; 1000 Genomes Project 30x 0.00062.
gnomAD v4.1: 657 of 1,604,368 alleles (0.041%); highest among the groups gnomAD compares: Non-Finnish European, 0.0069%; 2 homozygotes.

Submissions (2):

Labcorp Genetics (formerly Invitae), Labcorp
Classification: Benign for Primary ciliary dyskinesia 28. Last evaluated: 2025-12-20. Review status: criteria provided, single submitter. Criteria: Invitae Variant Classification Sherloc (09022015). Collection method: clinical testing. Allele origin: germline.

PreventionGenetics, part of Exact Sciences
Classification: Likely benign for SPAG1-related condition. Last evaluated: 2021-02-23. Review status: no assertion criteria provided. Collection method: clinical testing. Allele origin: germline. Not counted in ClinVar's aggregate classification.
Comment: This variant is classified as likely benign based on ACMG/AMP sequence variant interpretation guidelines (Richards et al. 2015 PMID: 25741868, with internal and published modifications).

NM_003114.5(SPAG1):c.1942G>A (p.Glu648Lys)

Gene: SPAG1 (sperm associated antigen 1; plus strand). Cytogenetic location: 8q22.2.
Variant type: single nucleotide variant.
Coding change: c.1942G>A on transcript NM_003114.5 (MANE Select); coding-DNA position 1942, G replaced by A.
Protein change: p.Glu648Lys; replaces glutamic acid 648 with lysine.
Molecular consequence: missense variant.
Genome position (GRCh38, 1-based): chr8:100,231,242, G>A. VCF-style: chr8-100231242-G-A. GRCh37 (hg19) VCF-style: chr8-101243470-G-A.
Other names: c.1942G>A, p.Glu648Lys (NM_172218.3, NM_001374321.1); c.1942G>A (NM_172218.2); short protein forms E648K.
Identifiers: ClinVar variation 2832645 (VCV002832645.5), dbSNP rs187160521, ClinGen allele CA4827630.